The following is an entry in ClinVar:

ClinVar aggregate classification (germline): Uncertain significance (1 of 4 stars; one submission).

Conditions:
ADCY3-related disorder. Also called: ADCY3-related condition.

gnomAD v4.1: 3 of 1,613,004 alleles (0.00019%); highest among the groups gnomAD compares: East Asian, 0.0022%; no homozygotes.

Submission:

PreventionGenetics, part of Exact Sciences
Classification: Uncertain significance for ADCY3-related condition. Last evaluated: 2025-01-06. Review status: criteria provided, single submitter. Criteria: ACMG Guidelines, 2015. Collection method: clinical testing. Allele origin: germline.
Comment: The ADCY3 c.*9G>C variant is located in the 3' untranslated region. To our knowledge, this variant has not been reported in the literature. This variant is reported in 0.0055% of alleles in individuals of East Asian descent in gnomAD. At this time, the clinical significance of this variant is uncertain due to the absence of conclusive functional and genetic evidence.

NM_004036.5(ADCY3):c.*9G>C

Genes: ADCY3 (adenylate cyclase 3; minus strand), CENPO (centromere protein O; plus strand). Cytogenetic location: 2p23.3.
Variant type: single nucleotide variant.
Coding change: c.*9G>C on transcript NM_004036.5 (MANE Select); 9 bases downstream of the stop codon, G replaced by C.
Molecular consequence: 3 prime UTR variant. On other transcripts: non-coding transcript variant (3).
Genome position (GRCh38, 1-based): chr2:24,819,923, C>G on the plus strand (G>C on the coding strand, the complement: ADCY3 is on the minus strand). VCF-style: chr2-24819923-C-G. GRCh37 (hg19) VCF-style: chr2-25042792-C-G.
Other names: c.*9G>C (NM_001320613.2, NM_001377128.1, NM_001377129.1 and 2 more transcripts); c.*185G>C (NM_001377130.1); c.*605C>G (NM_001199803.3, NM_001322101.2, NM_024322.4).
Identifiers: ClinVar variation 5001310 (VCV005001310.1).